The following is an entry in ClinVar:

ClinVar aggregate classification (germline): Uncertain significance (1 of 4 stars; one submission).

Conditions:
Wilson disease (WND). Also called: Wilson's disease. Identifiers: Orphanet 905, MedGen C0019202, MONDO:0010200, OMIM 277900. Disease mechanism: loss of function.

Submission:

Labcorp Genetics (formerly Invitae), Labcorp
Classification: Uncertain significance for Wilson disease. Last evaluated: 2025-04-12. Review status: criteria provided, single submitter. Criteria: Invitae Variant Classification Sherloc (09022015). Collection method: clinical testing. Allele origin: germline.
Comment: This sequence change replaces arginine, which is basic and polar, with serine, which is neutral and polar, at codon 1316 of the ATP7B protein (p.Arg1316Ser). This variant is not present in population databases (gnomAD no frequency). This variant has not been reported in the literature in individuals affected with ATP7B-related conditions. Invitae Evidence Modeling of protein sequence and biophysical properties (such as structural, functional, and spatial information, amino acid conservation, physicochemical variation, residue mobility, and thermodynamic stability) indicates that this missense variant is not expected to disrupt ATP7B protein function with a negative predictive value of 80%. In summary, the available evidence is currently insufficient to determine the role of this variant in disease. Therefore, it has been classified as a Variant of Uncertain Significance.

NM_000053.4(ATP7B):c.3948G>T (p.Arg1316Ser)

Gene: ATP7B (ATPase copper transporting beta; minus strand). Cytogenetic location: 13q14.3.
Variant type: single nucleotide variant.
Coding change: c.3948G>T on transcript NM_000053.4 (MANE Select); coding-DNA position 3948, G replaced by T.
Protein change: p.Arg1316Ser; replaces arginine 1316 with serine.
Molecular consequence: missense variant.
Genome position (GRCh38, 1-based): chr13:51,937,349, C>A on the plus strand (G>T on the coding strand, the complement: ATP7B is on the minus strand). VCF-style: chr13-51937349-C-A. GRCh37 (hg19) VCF-style: chr13-52511485-C-A.
Other names: c.3327G>T, p.Arg1109Ser (NM_001005918.3); c.3615G>T, p.Arg1205Ser (NM_001243182.2); c.3714G>T, p.Arg1238Ser (NM_001330578.2, NM_001406527.1, NM_001406528.1); c.3696G>T, p.Arg1232Ser (NM_001330579.2, NM_001406531.1, NM_001406532.1); c.3948G>T, p.Arg1316Ser (NM_001406511.1, NM_001406512.1); c.3942G>T, p.Arg1314Ser (NM_001406513.1); c.3915G>T, p.Arg1305Ser (NM_001406514.1); c.3894G>T, p.Arg1298Ser (NM_001406515.1, NM_001406516.1); and 21 more; short protein forms R1035S, R1089S, R1122S, R1203S, R1238S, R1257S, R1314S, R1316S.
Identifiers: ClinVar variation 4744037 (VCV004744037.1).